The following is an entry in ClinVar:

NM_198129.4(LAMA3):c.7400G>A (p.Arg2467His)

Gene: LAMA3 (laminin subunit alpha 3; plus strand). Cytogenetic location: 18q11.2.
Variant type: single nucleotide variant.
Coding change: c.7400G>A on transcript NM_198129.4 (MANE Select); coding-DNA position 7400, G replaced by A.
Protein change: p.Arg2467His; replaces arginine 2467 with histidine.
Molecular consequence: missense variant.
Genome position (GRCh38, 1-based): chr18:23,914,480, G>A. VCF-style: chr18-23914480-G-A. GRCh37 (hg19) VCF-style: chr18-21494444-G-A.
Other names: c.2573G>A, p.Arg858His (NM_000227.6); c.7232G>A, p.Arg2411His (NM_001127717.4); c.2405G>A, p.Arg802His (NM_001127718.4); c.2573G>A (NM_000227.3); short protein forms R2467H, R802H, R858H, R2411H.
Identifiers: ClinVar variation 2067455 (VCV002067455.3), dbSNP rs750404425, ClinGen allele CA8916639.

ClinVar aggregate classification (germline): Uncertain significance. Review status: criteria provided, multiple submitters, no conflicts (2 of 4 stars). 2 submissions from 2 submitters: Uncertain significance (2). Last evaluated 2025-04-20.

Conditions:
Inborn genetic diseases. Identifiers: MedGen C0950123, MeSH D030342.

Allele frequency attached by ClinVar (database versions not stated): TOPMed 0.00008; ExAC 0.00009; gnomAD 0.00004; gnomAD exomes 0.00005.
gnomAD v4.1: 86 of 1,613,986 alleles (0.0053%); highest among the groups gnomAD compares: South Asian, 0.032%; no homozygotes.

Submissions (2):

Ambry Genetics
Classification: Uncertain significance for Inborn genetic diseases. Last evaluated: 2025-04-20. Review status: criteria provided, single submitter. Criteria: Ambry Variant Classification Scheme 2023. Collection method: clinical testing. Allele origin: germline.

Labcorp Genetics (formerly Invitae), Labcorp
Classification: Uncertain significance. Last evaluated: 2022-09-16. Review status: criteria provided, single submitter. Criteria: Invitae Variant Classification Sherloc (09022015). Collection method: clinical testing. Allele origin: germline.
Comment: This sequence change replaces arginine, which is basic and polar, with histidine, which is basic and polar, at codon 858 of the LAMA3 protein (p.Arg858His). This variant is present in population databases (rs750404425, gnomAD 0.04%). This variant has not been reported in the literature in individuals affected with LAMA3-related conditions. Algorithms developed to predict the effect of missense changes on protein structure and function output the following: SIFT: "Tolerated"; PolyPhen-2: "Benign"; Align-GVGD: "Class C0". The histidine amino acid residue is found in multiple mammalian species, which suggests that this missense change does not adversely affect protein function. In summary, the available evidence is currently insufficient to determine the role of this variant in disease. Therefore, it has been classified as a Variant of Uncertain Significance.